The following is an entry in ClinVar:

ClinVar aggregate classification (germline): Uncertain significance. Review status: criteria provided, multiple submitters, no conflicts (2 of 4 stars). 4 submissions from 4 submitters: Uncertain significance (4). Last evaluated 2025-10-03.

Conditions:
RYR1-related myopathy. Identifiers: Orphanet 98742, MedGen CN305348, MONDO:0100150.
RYR1-related disorder. Also called: RYR1-related condition; RYR1-related disorders. Identifiers: MedGen CN239331.
Inborn genetic diseases. Identifiers: MedGen C0950123, MeSH D030342.
Malignant hyperthermia, susceptibility to, 1 (MHS1). Also called: Anesthesia related hyperthermia; Malignant hyperpyrexia; Fulminating hyperpyrexia; Pharmacogenic myopathy; RYR1-Related Malignant Hyperthermia Susceptibility; Malignant hyperthermia suceptibility 1. Identifiers: Orphanet 423, MedGen C2930980, MONDO:0007783, OMIM 145600.

Allele frequency attached by ClinVar (database versions not stated): gnomAD exomes 0.00001; TOPMed 0.00001; ExAC 0.00003; gnomAD 0.00001; ESP Exome Variant Server 0.00008.
gnomAD v4.1: 10 of 1,614,098 alleles (0.00062%); highest among the groups gnomAD compares: African/African-American, 0.0027%; no homozygotes.

Submissions (4):

Dasa
Classification: Uncertain significance for RYR1-related myopathy. Last evaluated: 2025-10-03. Review status: criteria provided, single submitter. Criteria: DASA Assertion Criteria. Collection method: clinical testing. Allele origin: germline.
Comment: NM_000540.3(RYR1):c.9299C>T (p.Ser3100Leu) is a missense variant that results in the substitution of serine with leucine. This variant is rare in population databases. The currently available literature and clinical evidence are not sufficient to establish a definitive association between this variant and the reported condition. Therefore, this variant is classified as a variant of uncertain significance.

All of Us Research Program, National Institutes of Health
Classification: Uncertain significance for Malignant hyperthermia, susceptibility to, 1. Last evaluated: 2023-11-30. Review status: criteria provided, single submitter. Criteria: ACMG Guidelines, 2015. Collection method: clinical testing. Allele origin: germline. Inheritance: Autosomal dominant inheritance. Observed: 4 variant alleles, 4 heterozygotes.
Comment: This missense variant replaces serine with leucine at codon 3100 of the RYR1 protein. Computational prediction is inconclusive regarding the impact of this variant on protein structure and function (internally defined REVEL score threshold 0.5 < inconclusive < 0.7, PMID: 27666373). To our knowledge, functional studies have not been reported for this variant. This variant has not been reported in individuals affected with RYR1-related disorders in the literature. This variant has been identified in 4/251412 chromosomes in the general population by the Genome Aggregation Database (gnomAD). The available evidence is insufficient to determine the role of this variant in disease conclusively. Therefore, this variant is classified as a Variant of Uncertain Significance.

This study involves interpretation of variants in research participants for the purpose of population health screening. Participant phenotype was not available at the time of variant classification. Additional details can be found in publication PMID: 35346344, PMCID: PMC8962531

PreventionGenetics, part of Exact Sciences
Classification: Uncertain significance for RYR1-related condition. Last evaluated: 2023-05-09. Review status: criteria provided, single submitter. Criteria: ACMG Guidelines, 2015. Collection method: clinical testing. Allele origin: germline.
Comment: The RYR1 c.9299C>T variant is predicted to result in the amino acid substitution p.Ser3100Leu. To our knowledge, this variant has not been reported in the literature. This variant is reported in 0.012% of alleles in individuals of African descent in gnomAD. At this time, the clinical significance of this variant is uncertain due to the absence of conclusive functional and genetic evidence.

Ambry Genetics
Classification: Uncertain significance for Inborn genetic diseases. Last evaluated: 2022-12-05. Review status: criteria provided, single submitter. Criteria: Ambry Variant Classification Scheme 2023. Collection method: clinical testing. Allele origin: germline.

NM_000540.3(RYR1):c.9299C>T (p.Ser3100Leu)

Gene: RYR1 (ryanodine receptor 1; plus strand). Cytogenetic location: 19q13.2.
Variant type: single nucleotide variant.
Coding change: c.9299C>T on transcript NM_000540.3 (MANE Select); coding-DNA position 9299, C replaced by T.
Protein change: p.Ser3100Leu; replaces serine 3100 with leucine.
Molecular consequence: missense variant.
Genome position (GRCh38, 1-based): chr19:38,512,310, C>T. VCF-style: chr19-38512310-C-T. GRCh37 (hg19) VCF-style: chr19-39002950-C-T.
Other names: c.9299C>T, p.Ser3100Leu (NM_001042723.2); short protein forms S3100L.
Identifiers: ClinVar variation 2332619 (VCV002332619.6), dbSNP rs148412985, ClinGen allele CA073470.